The following is an entry in ClinVar:

ClinVar aggregate classification (germline): Uncertain significance (1 of 4 stars; one submission).

Conditions:
Cardiovascular phenotype. Identifiers: MedGen CN230736.

Allele frequency attached by ClinVar (database versions not stated): TOPMed below 0.00001; gnomAD 0.00001.
gnomAD v4.1: 2 of 1,550,316 alleles (0.00013%); highest among the groups gnomAD compares: African/African-American, 0.0027%; no homozygotes.

Submission:

Ambry Genetics
Classification: Uncertain significance for Cardiovascular phenotype. Last evaluated: 2023-03-26. Review status: criteria provided, single submitter. Criteria: Ambry Variant Classification Scheme 2023. Collection method: clinical testing. Allele origin: germline.
Comment: The p.P1328H variant (also known as c.3983C>A), located in coding exon 2 of the ZNF469 gene, results from a C to A substitution at nucleotide position 3983. The proline at codon 1328 is replaced by histidine, an amino acid with similar properties. This amino acid position is conserved. In addition, this alteration is predicted to be tolerated by in silico analysis. Since supporting evidence is limited at this time, the clinical significance of this alteration remains unclear.

NM_001367624.2(ZNF469):c.4067C>A (p.Pro1356His)

Gene: ZNF469 (zinc finger protein 469; plus strand). Cytogenetic location: 16q24.2.
Variant type: single nucleotide variant.
Coding change: c.4067C>A on transcript NM_001367624.2 (MANE Select); coding-DNA position 4067, C replaced by A.
Protein change: p.Pro1356His; replaces proline 1356 with histidine.
Molecular consequence: missense variant.
Genome position (GRCh38, 1-based): chr16:88,431,537, C>A. VCF-style: chr16-88431537-C-A. GRCh37 (hg19) VCF-style: chr16-88497945-C-A.
Other names: NM_001127464.1:c.3983C>A; short protein forms P1356H.
Identifiers: ClinVar variation 2564207 (VCV002564207.2), dbSNP rs1298951476, ClinGen allele CA397089116.